The following is an entry in ClinVar:

ClinVar aggregate classification (germline): Uncertain significance (1 of 4 stars; one submission).

Conditions:
Long QT syndrome (LQTS). Identifiers: MedGen C0023976, MeSH D008133, MONDO:0002442. Disease mechanism: loss of function. Inheritance: Various modes of inheritance.

Submission:

Labcorp Genetics (formerly Invitae), Labcorp
Classification: Uncertain significance for Long QT syndrome. Last evaluated: 2023-07-29. Review status: criteria provided, single submitter. Criteria: Invitae Variant Classification Sherloc (09022015). Collection method: clinical testing. Allele origin: germline.
Comment: This sequence change replaces lysine, which is basic and polar, with asparagine, which is neutral and polar, at codon 776 of the CACNA1C protein (p.Lys776Asn). In summary, the available evidence is currently insufficient to determine the role of this variant in disease. Therefore, it has been classified as a Variant of Uncertain Significance. Advanced modeling of protein sequence and biophysical properties (such as structural, functional, and spatial information, amino acid conservation, physicochemical variation, residue mobility, and thermodynamic stability) has been performed at Invitae for this missense variant, however the output from this modeling did not meet the statistical confidence thresholds required to predict the impact of this variant on CACNA1C protein function. This variant has not been reported in the literature in individuals affected with CACNA1C-related conditions. This variant is not present in population databases (gnomAD no frequency).

NM_000719.7(CACNA1C):c.2328G>T (p.Lys776Asn)

Gene: CACNA1C (calcium voltage-gated channel subunit alpha1 C; plus strand). Cytogenetic location: 12p13.33.
Variant type: single nucleotide variant.
Coding change: c.2328G>T on transcript NM_000719.7 (MANE Select); coding-DNA position 2328, G replaced by T.
Protein change: p.Lys776Asn; replaces lysine 776 with asparagine.
Molecular consequence: missense variant.
Genome position (GRCh38, 1-based): chr12:2,584,606, G>T. VCF-style: chr12-2584606-G-T. GRCh37 (hg19) VCF-style: chr12-2693772-G-T.
Other names: c.2328G>T, p.Lys776Asn (NM_001129835.2, NM_001129836.2, NM_001129837.2 and 18 more transcripts); c.2319G>T, p.Lys773Asn (NM_001129844.2); short protein forms K776N, K773N.
Identifiers: ClinVar variation 2719547 (VCV002719547.3), dbSNP rs2515292914, ClinGen allele CA383371569.